The following is an entry in ClinVar:

ClinVar aggregate classification (germline): Uncertain significance (0 of 4 stars; one submission).

Conditions:
PURA-related disorder. Also called: PURA-related condition.

Submission:

PreventionGenetics, part of Exact Sciences
Classification: Uncertain significance for PURA-related condition. Last evaluated: 2024-05-03. Review status: no assertion criteria provided. Collection method: clinical testing. Allele origin: germline.
Comment: The PURA c.529G>A variant is predicted to result in the amino acid substitution p.Gly177Arg. To our knowledge, this variant has not been reported in the literature or in a large population database, indicating this variant is rare. At this time, the clinical significance of this variant is uncertain due to the absence of conclusive functional and genetic evidence.

NM_005859.5(PURA):c.529G>A (p.Gly177Arg)

Gene: PURA (purine rich element binding protein A; plus strand). Cytogenetic location: 5q31.3.
Variant type: single nucleotide variant.
Coding change: c.529G>A on transcript NM_005859.5 (MANE Select); coding-DNA position 529, G replaced by A.
Protein change: p.Gly177Arg; replaces glycine 177 with arginine.
Molecular consequence: missense variant.
Genome position (GRCh38, 1-based): chr5:140,114,710, G>A. VCF-style: chr5-140114710-G-A. GRCh37 (hg19) VCF-style: chr5-139494295-G-A.
Other names: short protein forms G177R.
Identifiers: ClinVar variation 3344734 (VCV003344734.1).